The following is an entry in ClinVar:

NM_006269.2(RP1):c.2590A>G (p.Ile864Val)

Gene: RP1 (RP1 axonemal microtubule associated; plus strand). Cytogenetic location: 8q12.1.
Variant type: single nucleotide variant.
Coding change: c.2590A>G on transcript NM_006269.2 (MANE Select); coding-DNA position 2590, A replaced by G.
Protein change: p.Ile864Val; replaces isoleucine 864 with valine.
Molecular consequence: missense variant. On other transcripts: intron variant (1).
Genome position (GRCh38, 1-based): chr8:54,626,472, A>G. VCF-style: chr8-54626472-A-G. GRCh37 (hg19) VCF-style: chr8-55539032-A-G.
Other names: c.787+4184A>G (NM_001375654.1); short protein forms I864V.
Identifiers: ClinVar variation 4761794 (VCV004761794.1).

ClinVar aggregate classification (germline): Uncertain significance (1 of 4 stars; one submission).

gnomAD v4.1: 4 of 1,613,854 alleles (0.00025%); highest among the groups gnomAD compares: Admixed American, 0.0017%; no homozygotes.

Submission:

Labcorp Genetics (formerly Invitae), Labcorp
Classification: Uncertain significance. Last evaluated: 2025-05-14. Review status: criteria provided, single submitter. Criteria: Invitae Variant Classification Sherloc (09022015). Collection method: clinical testing. Allele origin: germline.
Comment: This sequence change replaces isoleucine, which is neutral and non-polar, with valine, which is neutral and non-polar, at codon 864 of the RP1 protein (p.Ile864Val). This variant is present in population databases (no rsID available, gnomAD 0.003%). This variant has not been reported in the literature in individuals affected with RP1-related conditions. An algorithm developed to predict the effect of missense changes on protein structure and function outputs the following: PolyPhen-2: "Benign". The valine amino acid residue is found in multiple mammalian species, which suggests that this missense change does not adversely affect protein function. In summary, the available evidence is currently insufficient to determine the role of this variant in disease. Therefore, it has been classified as a Variant of Uncertain Significance.